The following is an entry in ClinVar:

ClinVar aggregate classification (germline): Conflicting classifications of pathogenicity. Review status: criteria provided, conflicting classifications (1 of 4 stars). 15 submissions from 15 submitters: Uncertain significance (7); Likely benign (4). 4 of the submissions do not count toward it. Last evaluated 2026-02-01.

Conditions:
ATM-related disorder. Also called: ATM-related disorders; ATM-related condition.
Hereditary cancer-predisposing syndrome. Also called: Tumor predisposition; Hereditary neoplastic syndrome; Neoplastic Syndromes, Hereditary; Hereditary Cancer Syndrome. Identifiers: Orphanet 140162, MedGen C0027672, MeSH D009386, MONDO:0015356.
Familial cancer of breast. Also called: Hereditary breast cancer; hereditary breast carcinoma; BREAST CANCER, FAMILIAL. Identifiers: Orphanet 227535, MedGen C0346153, MONDO:0016419, OMIM 114480. Disease mechanism: loss of function.
Endometrial carcinoma. Also called: Endometrial carcinoma, somatic. Identifiers: MedGen C0476089, MONDO:0002447, OMIM 608089, HP:0012114.
Ataxia-telangiectasia syndrome (AT). Also called: LOUIS-BAR SYNDROME; Ataxia-telangiectasia; Ataxia telangiectasia (A-T); Cerebello-oculocutaneous telangiectasia; Immunodeficiency with ataxia telangiectasia; Ataxia-telangiectasia, complementation group D. Identifiers: Orphanet 100, MedGen C0004135, MONDO:0008840, OMIM 208900.

Allele frequency attached by ClinVar (database versions not stated): gnomAD 0.00003; TOPMed 0.00007; ExAC 0.00021; gnomAD exomes 0.00029.
gnomAD v4.1: 81 of 1,613,178 alleles (0.005%); highest among the groups gnomAD compares: Admixed American, 0.13%; no homozygotes.

Submissions (15):

Labcorp Genetics (formerly Invitae), Labcorp
Classification: Likely benign for Ataxia-telangiectasia syndrome. Last evaluated: 2026-02-01. Review status: criteria provided, single submitter. Criteria: Invitae Variant Classification Sherloc (09022015). Collection method: clinical testing. Allele origin: germline.

Women's Health and Genetics/Laboratory Corporation of America, LabCorp
Classification: Uncertain significance. Last evaluated: 2025-11-04. Review status: criteria provided, single submitter. Criteria: LabCorp Variant Classification Summary - May 2015. Collection method: clinical testing. Allele origin: germline.
Comment: Variant summary: ATM c.2449G>C (p.Asp817His) results in a non-conservative amino acid change in the encoded protein sequence. Algorithms developed to predict the effect of missense changes on protein structure and function all suggest that this variant is likely to be disruptive. The variant allele was found at a frequency of 0.00029 in 251016 control chromosomes. This frequency is not significantly higher than estimated for a pathogenic variant in ATM causing Ataxia-Telangiectasia (0.00029 vs 0.004), allowing no conclusion about variant significance. c.2449G>C has been reported in the literature in individuals affected with breast cancer (e.g. Tung_2014, Weitzel_2019) and endometrial cancer (e.g. Ring_2016), but also in healthy controls and in a healthy individual screened by whole-genome sequencing (e.g. Weitzel_2019, Bodian_2014). These reports do not provide unequivocal conclusions about association of the variant with Ataxia-Telangiectasia. To our knowledge, no experimental evidence demonstrating an impact on protein function has been reported. The following publications have been ascertained in the context of this evaluation (PMID: 24728327, 25186627, 27443514, 31206626). ClinVar contains an entry for this variant (Variation ID: 133608). Based on the evidence outlined above, the variant was classified as uncertain significance.

CeGaT Center for Human Genetics Tuebingen
Classification: Likely benign. Last evaluated: 2025-07-01. Review status: criteria provided, single submitter. Criteria: CeGaT Center For Human Genetics Tuebingen Variant Classification Criteria Version 2. Collection method: clinical testing. Allele origin: germline. Affected: yes. Observed: 1 variant allele.
Comment: ATM: PM5, BS1

GeneDx
Classification: Uncertain significance. Last evaluated: 2025-05-22. Review status: criteria provided, single submitter. Criteria: GeneDx Variant Classification Process June 2021. Collection method: clinical testing. Allele origin: germline. Affected: yes.
Comment: In silico analysis supports that this missense variant has a deleterious effect on protein structure/function; Observed in individuals with breast and other cancers as well as unaffected controls (PMID: 25186627, 27443514, 31206626); This variant is associated with the following publications: (PMID: 24728327, 25186627, 31206626, 27443514, 32134843)

ARUP Laboratories, Molecular Genetics and Genomics, ARUP Laboratories
Classification: Uncertain significance. Last evaluated: 2023-12-22. Review status: criteria provided, single submitter. Criteria: ARUP Molecular Germline Variant Investigation Process 2024. Collection method: clinical testing. Allele origin: germline.

Sema4
Classification: Uncertain significance for Hereditary cancer-predisposing syndrome. Last evaluated: 2021-10-04. Review status: criteria provided, single submitter. Criteria: Sema4 Curation Guidelines. Collection method: curation. Allele origin: germline.
Comment: The ATM c.2449G>C (p.D817H) variant has been detected in 4 individuals with breast and endometrial cancer (PMID: 25186627, 31206626, 27443514) but also in healthy individuals (PMID: 24728327). This variant was observed in 71/34566 chromosomes in the Latino population, according to the Genome Aggregation Database (PMID: 133608). This variant has been reported in ClinVar (Variation ID: 135141). Functional studies have not been performed, and in silico predictions of the variant's effect on protein function are inconclusive. The evidence is insufficient to meet ACMG/AMP criteria for classifying the variant as benign or pathogenic. Thus, the clinical significance of this variant is currently uncertain.

Color Diagnostics, LLC DBA Color Health
Classification: Likely benign for Hereditary cancer-predisposing syndrome. Last evaluated: 2021-08-25. Review status: criteria provided, single submitter. Criteria: ACMG Guidelines, 2015. Collection method: clinical testing. Allele origin: germline.

Genome-Nilou Lab
Classification: Uncertain significance for Ataxia-telangiectasia syndrome. Last evaluated: 2021-07-14. Review status: criteria provided, single submitter. Criteria: ACMG Guidelines, 2015. Collection method: clinical testing. Allele origin: germline. Affected: no.

Ambry Genetics
Classification: Likely benign for Hereditary cancer-predisposing syndrome. Last evaluated: 2021-05-14. Review status: criteria provided, single submitter. Criteria: Ambry Variant Classification Scheme 2023. Collection method: clinical testing. Allele origin: germline.

Baylor Genetics
Classification: Uncertain significance for Ataxia-telangiectasia syndrome. Last evaluated: 2020-06-16. Review status: criteria provided, single submitter. Criteria: ACMG Guidelines, 2015. Collection method: clinical testing. Allele origin: maternal. Affected: yes. Study: CSER-TexasKidsCanSeq.
Comment: This variant was determined to be of uncertain significance according to ACMG Guidelines, 2015 [PMID:25741868].

Division of Medical Genetics, University of Washington
Classification: Uncertain significance for Familial cancer of breast. Last evaluated: 2019-09-10. Review status: criteria provided, single submitter. Criteria: ACMG Guidelines, 2015. Collection method: clinical testing. Allele origin: germline. Affected: yes. Study: CSER_CHARM.
Comment: This variant has been reported in the literature in an individual with endometrial cancer and an individual with breast cancer (Tung 2015, Ring 2016). This variant has a combined allele frequency of 0.0003 in the Broad Institute gnomAD Browser and is more common in individuals of Latinx ancestry (Lek 2016). In silico analyses indicate this is an evolutionarily conserved residue. Thus, it is unknown at this time whether this variant increases cancer risk.

PreventionGenetics, part of Exact Sciences
Classification: Likely benign for ATM-related condition. Last evaluated: 2024-02-18. Review status: no assertion criteria provided. Collection method: clinical testing. Allele origin: germline. Not counted in ClinVar's aggregate classification.
Comment: This variant is classified as likely benign based on ACMG/AMP sequence variant interpretation guidelines (Richards et al. 2015 PMID: 25741868, with internal and published modifications).

Natera, Inc.
Classification: Uncertain significance for Ataxia-telangiectasia. Last evaluated: 2020-09-16. Review status: no assertion criteria provided. Collection method: clinical testing. Allele origin: germline. Not counted in ClinVar's aggregate classification.

ITMI
No classification provided. Condition: AllHighlyPenetrant. Last evaluated: 2013-09-19. Review status: no classification provided. Collection method: reference population. Allele origin: germline. Not counted in ClinVar's aggregate classification.
Comment: Please see associated publication for description of ethnicities

Department of Pathology and Laboratory Medicine, Sinai Health System
Classification: Uncertain significance for Endometrial carcinoma. Review status: no assertion criteria provided. Collection method: clinical testing. Allele origin: unknown. Affected: yes. Study: The Canadian Open Genetics Repository (COGR). Not counted in ClinVar's aggregate classification.
Comment: The ATM p.Asp817His variant was identified in 2 of 5078 proband chromosomes (frequency: 0.0004) from individuals with endometrial and breast cancer and was present in 1 of 1362 control chromosomes (frequency: 0.0007) from healthy individuals (Ring 2016, Tung 2015, Bodian 2014). The variant was identified in dbSNP (rs587778067) as â€šÃ„Ãºwith uncertain significance alleleâ€šÃ„Ã¹, ClinVar (interpreted as "uncertain significance" by Invitae and 3 others). The variant was not identified in LOVD 3.0. The variant was identified in control databases in 69 of 245,874 chromosomes at a frequency of 0.0003 (Genome Aggregation Database Feb 27, 2017). The variant was observed in the following populations: Other in 2 of 5480 chromosomes (freq: 0.0004), Latino in 66 of 33,570 chromosomes (freq: 0.002), and South Asian in 1 of 30,760 chromosomes (freq: 0.00003). The variant was not observed in the African, European, Ashkenazi Jewish, East Asian, or Finnish populations. The p.Asp817 residue is conserved across mammals and other organisms, and four out of five computational analyses (PolyPhen-2, SIFT, AlignGVGD, BLOSUM, MutationTaster) suggest that the variant may impact the protein; however, this information is not predictive enough to assume pathogenicity. The variant occurs outside of the splicing consensus sequence and 3 of 4 in silico or computational prediction software programs (SpliceSiteFinder, MaxEntScan, NNSPLICE, GeneSplicer) predict a greater than 10% difference in splicing. However, this information is not predictive enough to assume pathogenicity. In summary, based on the above information the clinical significance of this variant cannot be determined with certainty at this time. This variant is classified as a variant of uncertain significance.

Literature cited by the submitters: PubMed 24728327 (cited by 4 submitters); PubMed 25186627 (cited by 3 submitters); PubMed 27443514 (cited by 3 submitters); PubMed 31206626 (cited by Women's Health and Genetics/Laboratory Corporation of America, LabCorp and Sema4); PubMed 133608 (cited by Sema4).

NM_000051.4(ATM):c.2449G>C (p.Asp817His)

Gene: ATM (ATM serine/threonine kinase; plus strand). Cytogenetic location: 11q22.3.
Variant type: single nucleotide variant.
Coding change: c.2449G>C on transcript NM_000051.4 (MANE Select); coding-DNA position 2449, G replaced by C.
Protein change: p.Asp817His; replaces aspartic acid 817 with histidine.
Molecular consequence: missense variant.
Genome position (GRCh38, 1-based): chr11:108,259,058, G>C. VCF-style: chr11-108259058-G-C. GRCh37 (hg19) VCF-style: chr11-108129785-G-C.
Other names: p.D817H:GAT>CAT; c.2449G>C, p.Asp817His (NM_001351834.2); short protein forms D817H.
Identifiers: ClinVar variation 133608 (VCV000133608.51), dbSNP rs587778067, ClinGen allele CA157079.